The following is an entry in ClinVar:

NM_022455.5(NSD1):c.4301del (p.Lys1434fs)

Gene: NSD1 (nuclear receptor binding SET domain protein 1; plus strand). Cytogenetic location: 5q35.3.
Variant type: Deletion.
Coding change: c.4301del on transcript NM_022455.5 (MANE Select); coding-DNA position 4301, one base deleted (A; older notation c.4301delA).
Protein change: p.Lys1434fs; shifts the reading frame from lysine 1434.
Molecular consequence: frameshift variant.
Genome position (GRCh38, 1-based): chr5:177,239,864, A deleted; the last of 5 consecutive A bases (chr5:177,239,860-177,239,864); deleting any one gives the same sequence. VCF-style (leftmost placement, unchanged base first): chr5-177239859-TA-T. GRCh37 (hg19) VCF-style: chr5-176666860-TA-T.
Other names: c.3428delA, p.Lys1143Serfs (NM_001365684.2, NM_001409306.1, NM_001409307.1 and 3 more transcripts); c.4301delA, p.Lys1434Serfs (NM_001409301.1, NM_001409302.1, NM_001409303.1); c.3881delA, p.Lys1294Serfs (NM_001409304.1); c.3548delA, p.Lys1183Serfs (NM_001409305.1); short protein forms K1165fs.
Identifiers: ClinVar variation 159324 (VCV000159324.9), dbSNP rs587784112, ClinGen allele CA294870.
Genomic context (GRCh38, chr5:177,239,859, plus strand): 5'-TCTTGAATCCAATGATTTAGACCCTGGATTTATGCCCAAGAAGGGGGACCTTGGCCTTTC[TA>T]AAAAGGTATGTTATTTTTGTAAGTTCTAAAAGAAATAAACTCAGGAAATGAGAAATTTTA-3'

ClinVar aggregate classification (germline): Pathogenic. Review status: criteria provided, multiple submitters, no conflicts (2 of 4 stars). 3 submissions from 3 submitters: Pathogenic (3). Last evaluated 2021-07-15.

Conditions:
Sotos syndrome (SOTOS). Also called: Distinctive facial appearance, overgrowth in childhood, and learning disabilities or delayed development; CEREBRAL GIGANTISM; Sotos' syndrome; CHROMOSOME 5q35 DELETION SYNDROME; SOTOS SYNDROME 1. Identifiers: Orphanet 821, MedGen C0175695, MONDO:0019349, OMIM 117550.

Submissions (3):

Genome-Nilou Lab
Classification: Pathogenic for Sotos syndrome. Last evaluated: 2021-07-15. Review status: criteria provided, single submitter. Criteria: ACMG Guidelines, 2015. Collection method: clinical testing. Allele origin: germline. Affected: no.

GeneDx
Classification: Pathogenic. Last evaluated: 2018-05-17. Review status: criteria provided, single submitter. Criteria: GeneDx Variant Classification (06012015). Collection method: clinical testing. Allele origin: germline. Affected: yes.
Comment: The c.4301delA pathogenic variant in the NSD1 gene has not been reported previously as a pathogenic variant nor as a benign variant, to our knowledge. The c.4301delA variant causes a frameshift starting with codon Lysine 1434, changes this amino acid to a Serine residue, and creates a premature Stop codon at position 12 of the new reading frame, denoted p.Lys1434SerfsX12. This variant is predicted to cause loss of normal protein function either through protein truncation or nonsense-mediated mRNA decay. The c.4301delA variant was not observed in approximately 6,500 individuals of European and African American ancestry in the NHLBI Exome Sequencing Project, indicating it is not a common benign variant in these populations. We interpret c.4301delA as a pathogenic variant.

Genetic Services Laboratory, University of Chicago
Classification: Pathogenic for Sotos syndrome 1. Last evaluated: 2013-02-08. Review status: criteria provided, single submitter. Criteria: ACMG Guidelines, 2007. Collection method: clinical testing. Allele origin: germline. Inheritance: Autosomal dominant inheritance. Affected: yes.